The following is an entry in ClinVar:

ClinVar aggregate classification (germline): Benign (1 of 4 stars; one submission).

Allele frequency attached by ClinVar (database versions not stated): 1000 Genomes Project 0.05132; 1000 Genomes Project 30x 0.05200; TOPMed 0.10476; gnomAD 0.10545 and 0.10946.
gnomAD v4.1: 16,128 of 151,950 alleles (11%); highest among the groups gnomAD compares: Non-Finnish European, 16%; 1,041 homozygotes.

Submission:

GeneDx
Classification: Benign. Last evaluated: 2018-06-16. Review status: criteria provided, single submitter. Criteria: GeneDx Variant Classification (06012015). Collection method: clinical testing. Allele origin: germline. Affected: yes.
Comment: This variant is considered likely benign or benign based on one or more of the following criteria: it is a conservative change, it occurs at a poorly conserved position in the protein, it is predicted to be benign by multiple in silico algorithms, and/or has population frequency not consistent with disease.

NM_022114.4(PRDM16):c.3284+179G>A

Gene: PRDM16 (PR/SET domain 16; plus strand). Cytogenetic location: 1p36.32.
Variant type: single nucleotide variant.
Coding change: c.3284+179G>A on transcript NM_022114.4 (MANE Select); 179 bases into the intron after coding-DNA position 3284, G replaced by A.
Molecular consequence: intron variant.
Genome position (GRCh38, 1-based): chr1:3,426,404, G>A. VCF-style: chr1-3426404-G-A. GRCh37 (hg19) VCF-style: chr1-3342968-G-A.
Other names: c.3284+179G>A (NM_199454.3).
Identifiers: ClinVar variation 674707 (VCV000674707.1), dbSNP rs75861985, ClinGen allele CA10980916.